The following is an entry in ClinVar:

NC_000019.9:g.(?_55663202)_(55666218_?)del

Gene: TNNI3 (troponin I3, cardiac type; minus strand). Cytogenetic location: 19q13.42.
Variant type: Deletion.
Identifiers: ClinVar variation 1409559 (VCV001409559.4).

ClinVar aggregate classification (germline): Uncertain significance (1 of 4 stars; one submission).

Conditions:
Hypertrophic cardiomyopathy. Also called: HYPERTROPHIC MYOCARDIOPATHY. Identifiers: Orphanet 217569, MedGen C0007194, MeSH D002312, MONDO:0005045, HP:0001639.

Submission:

Labcorp Genetics (formerly Invitae), Labcorp
Classification: Uncertain significance for Hypertrophic cardiomyopathy. Last evaluated: 2022-06-29. Review status: criteria provided, single submitter. Criteria: Invitae Variant Classification Sherloc (09022015). Collection method: clinical testing. Allele origin: germline.
Comment: This variant is a gross deletion of the genomic region encompassing exon(s) 6-8 of the TNNI3 gene, which includes the termination codon. This deletion extends beyond the assayed region for this gene and therefore may encompass additional genes. While this deletion is not anticipated to lead to nonsense mediated decay, it is expected to alter mRNA translation or result in a truncated protein product. This variant has not been reported in the literature in individuals affected with TNNI3-related conditions. Experimental studies and prediction algorithms are not available or were not evaluated, and the functional significance of this variant is currently unknown. In summary, the available evidence is currently insufficient to determine the role of this variant in disease. Therefore, it has been classified as a Variant of Uncertain Significance.